The following is an entry in ClinVar:

NM_001033855.3(DCLRE1C):c.1670C>A (p.Thr557Asn)

Gene: DCLRE1C (DNA cross-link repair 1C; minus strand). Cytogenetic location: 10p13.
Variant type: single nucleotide variant.
Coding change: c.1670C>A on transcript NM_001033855.3 (MANE Select); coding-DNA position 1670, C replaced by A.
Protein change: p.Thr557Asn; replaces threonine 557 with asparagine.
Molecular consequence: missense variant. On other transcripts: non-coding transcript variant (4).
Genome position (GRCh38, 1-based): chr10:14,908,817, G>T on the plus strand (C>A on the coding strand, the complement: DCLRE1C is on the minus strand). VCF-style: chr10-14908817-G-T. GRCh37 (hg19) VCF-style: chr10-14950816-G-T.
Other names: c.1310C>A, p.Thr437Asn (NM_001033857.3, NM_001033858.3, NM_001289077.2 and 2 more transcripts); c.1325C>A, p.Thr442Asn (NM_001289076.2, NM_001289078.2, NM_001350966.2 and 1 more transcripts); c.1670C>A, p.Thr557Asn (NM_001350965.2); short protein forms T442N, T437N, T557N.
Identifiers: ClinVar variation 1370107 (VCV001370107.8), dbSNP rs750692726, ClinGen allele CA376075078.

ClinVar aggregate classification (germline): Uncertain significance (1 of 4 stars; one submission).

Conditions:
Severe combined immunodeficiency due to DCLRE1C deficiency (RS-SCID). Also called: SCID, AUTOSOMAL RECESSIVE, T CELL-NEGATIVE, B CELL-NEGATIVE, NK CELL-POSITIVE, WITH SENSITIVITY TO IONIZING RADIATION. Identifiers: Orphanet 275, MedGen C1865371, MONDO:0011225, OMIM 602450.

Submission:

Labcorp Genetics (formerly Invitae), Labcorp
Classification: Uncertain significance for Athabaskan severe combined immunodeficiency. Last evaluated: 2020-10-25. Review status: criteria provided, single submitter. Criteria: Invitae Variant Classification Sherloc (09022015). Collection method: clinical testing. Allele origin: germline.
Comment: This sequence change replaces threonine with asparagine at codon 557 of the DCLRE1C protein (p.Thr557Asn). The threonine residue is moderately conserved and there is a small physicochemical difference between threonine and asparagine. This variant is not present in population databases (ExAC no frequency). This variant has not been reported in the literature in individuals with DCLRE1C-related conditions. Algorithms developed to predict the effect of missense changes on protein structure and function are either unavailable or do not agree on the potential impact of this missense change (SIFT: "Tolerated"; PolyPhen-2: "Probably Damaging"; Align-GVGD: "Class C0"). In summary, the available evidence is currently insufficient to determine the role of this variant in disease. Therefore, it has been classified as a Variant of Uncertain Significance.